The following is an entry in ClinVar:

ClinVar aggregate classification (germline): Uncertain significance (1 of 4 stars; one submission).

Allele frequency attached by ClinVar (database versions not stated): gnomAD 0.00001; gnomAD exomes 0.00001; ExAC 0.00005.
gnomAD v4.1: 22 of 1,613,390 alleles (0.0014%); highest among the groups gnomAD compares: East Asian, 0.0022%; no homozygotes.

Submission:

Labcorp Genetics (formerly Invitae), Labcorp
Classification: Uncertain significance. Last evaluated: 2022-05-04. Review status: criteria provided, single submitter. Criteria: Invitae Variant Classification Sherloc (09022015). Collection method: clinical testing. Allele origin: germline.
Comment: This sequence change replaces arginine, which is basic and polar, with tryptophan, which is neutral and slightly polar, at codon 382 of the PUS1 protein (p.Arg382Trp). This variant is present in population databases (rs776910715, gnomAD 0.008%). This variant has not been reported in the literature in individuals affected with PUS1-related conditions. Algorithms developed to predict the effect of missense changes on protein structure and function are either unavailable or do not agree on the potential impact of this missense change (SIFT: "Deleterious"; PolyPhen-2: "Possibly Damaging"; Align-GVGD: "Class C0"). In summary, the available evidence is currently insufficient to determine the role of this variant in disease. Therefore, it has been classified as a Variant of Uncertain Significance.

NM_025215.6(PUS1):c.1144C>T (p.Arg382Trp)

Gene: PUS1 (pseudouridine synthase 1; plus strand). Cytogenetic location: 12q24.33.
Variant type: single nucleotide variant.
Coding change: c.1144C>T on transcript NM_025215.6 (MANE Select); coding-DNA position 1144, C replaced by T.
Protein change: p.Arg382Trp; replaces arginine 382 with tryptophan.
Molecular consequence: missense variant.
Genome position (GRCh38, 1-based): chr12:131,941,891, C>T. VCF-style: chr12-131941891-C-T. GRCh37 (hg19) VCF-style: chr12-132426436-C-T.
Other names: c.1060C>T, p.Arg354Trp (NM_001002019.3, NM_001002020.3); short protein forms R382W, R354W.
Identifiers: ClinVar variation 2137415 (VCV002137415.1), dbSNP rs776910715, ClinGen allele CA6884328.